The following is an entry in ClinVar:

ClinVar aggregate classification (germline): Conflicting classifications of pathogenicity. Review status: criteria provided, conflicting classifications (1 of 4 stars). 8 submissions from 8 submitters: Uncertain significance (1); Benign (1); Likely benign (5). 1 of the submissions does not count toward it. Last evaluated 2026-01-05.

Conditions:
CNTNAP2-related disorder. Also called: CNTNAP2-related condition.
Inborn genetic diseases. Identifiers: MedGen C0950123, MeSH D030342.
Cortical dysplasia-focal epilepsy syndrome (PTHSL1). Also called: Pitt-Hopkins-like syndrome 1. Identifiers: Orphanet 163681, Orphanet 221150, MedGen C2750246, MONDO:0012400, OMIM 610042.

Allele frequency attached by ClinVar (database versions not stated): ExAC 0.00012; ESP Exome Variant Server 0.00031; gnomAD 0.00035; TOPMed 0.00046; 1000 Genomes Project 0.00120; 1000 Genomes Project 30x 0.00125.
gnomAD v4.1: 127 of 1,613,796 alleles (0.0079%); highest among the groups gnomAD compares: African/African-American, 0.16%; no homozygotes.

Submissions (8):

Labcorp Genetics (formerly Invitae), Labcorp
Classification: Likely benign for Cortical dysplasia-focal epilepsy syndrome. Last evaluated: 2026-01-05. Review status: criteria provided, single submitter. Criteria: Invitae Variant Classification Sherloc (09022015). Collection method: clinical testing. Allele origin: germline.

Blueprint Genetics
Classification: Likely benign. Last evaluated: 2024-01-11. Review status: criteria provided, single submitter. Criteria: ACMG Guidelines, 2015. Collection method: clinical testing. Allele origin: germline.

CeGaT Center for Human Genetics Tuebingen
Classification: Likely benign. Last evaluated: 2023-12-01. Review status: criteria provided, single submitter. Criteria: CeGaT Center For Human Genetics Tuebingen Variant Classification Criteria Version 2. Collection method: clinical testing. Allele origin: germline. Affected: yes. Observed: 1 variant allele.
Comment: CNTNAP2: BP4, BP7

Ambry Genetics
Classification: Likely benign for Inborn genetic diseases. Last evaluated: 2017-02-23. Review status: criteria provided, single submitter. Criteria: Ambry Variant Classification Scheme 2023. Collection method: clinical testing. Allele origin: germline.

Genetic Services Laboratory, University of Chicago
Classification: Likely benign. Last evaluated: 2016-05-05. Review status: criteria provided, single submitter. Criteria: ACMG Guidelines, 2015. Collection method: clinical testing. Allele origin: germline. Affected: no.

Eurofins Ntd Llc (ga)
Classification: Uncertain significance. Last evaluated: 2015-11-02. Review status: criteria provided, single submitter. Criteria: EGL Classification Definitions 2015. Collection method: clinical testing. Allele origin: germline. Observed: 1 variant allele, 1 heterozygote.

GeneDx
Classification: Benign. Last evaluated: 2015-04-14. Review status: criteria provided, single submitter. Criteria: GeneDx Variant Classification (06012015). Collection method: clinical testing. Allele origin: germline. Affected: yes.
Comment: This variant is considered likely benign or benign based on one or more of the following criteria: it is a conservative change, it occurs at a poorly conserved position in the protein, it is predicted to be benign by multiple in silico algorithms, and/or has population frequency not consistent with disease.

PreventionGenetics, part of Exact Sciences
Classification: Likely benign for CNTNAP2-related condition. Last evaluated: 2023-02-20. Review status: no assertion criteria provided. Collection method: clinical testing. Allele origin: germline. Not counted in ClinVar's aggregate classification.
Comment: This variant is classified as likely benign based on ACMG/AMP sequence variant interpretation guidelines (Richards et al. 2015 PMID: 25741868, with internal and published modifications).

NM_014141.6(CNTNAP2):c.1140T>A (p.Ala380=)

Gene: CNTNAP2 (contactin associated protein 2; plus strand). Cytogenetic location: 7q35.
Variant type: single nucleotide variant.
Coding change: c.1140T>A on transcript NM_014141.6 (MANE Select); coding-DNA position 1140, T replaced by A.
Protein change: p.Ala380=; no amino-acid change (alanine 380 retained).
Molecular consequence: synonymous variant.
Genome position (GRCh38, 1-based): chr7:147,132,301, T>A. VCF-style: chr7-147132301-T-A. GRCh37 (hg19) VCF-style: chr7-146829393-T-A.
Identifiers: ClinVar variation 283787 (VCV000283787.47), dbSNP rs141439475, ClinGen allele CA4545991.